The following is an entry in ClinVar:

NM_006230.4(POLD2):c.367C>T (p.Arg123Trp)

Gene: POLD2 (DNA polymerase delta 2, accessory subunit; minus strand). Cytogenetic location: 7p13.
Variant type: single nucleotide variant.
Coding change: c.367C>T on transcript NM_006230.4 (MANE Select); coding-DNA position 367, C replaced by T.
Protein change: p.Arg123Trp; replaces arginine 123 with tryptophan.
Molecular consequence: missense variant.
Genome position (GRCh38, 1-based): chr7:44,117,718, G>A on the plus strand (C>T on the coding strand, the complement: POLD2 is on the minus strand). VCF-style: chr7-44117718-G-A. GRCh37 (hg19) VCF-style: chr7-44157317-G-A.
Other names: c.367C>T (NM_001127218.1); c.367C>T, p.Arg123Trp (NM_001127218.3, NM_001256879.2); short protein forms R123W.
Identifiers: ClinVar variation 2086927 (VCV002086927.5), dbSNP rs778661684, ClinGen allele CA4238872.
Genomic context (GRCh38, chr7:44,117,718, plus strand): 5'-TGATACGCTGCAGTTCATCTTCCAAGACCAGCTCGTCATCTGGGTGTATGTATTTACTCC[G>A]AGGAGGCTGGGGGAGCAGGTTGTGCTGGAATGCAGAGACAGGAGGTATAATCTTGGGGCC-3'
Protein context (NP_006221.3, residues 113-133): EEHNLLPQPP[Arg123Trp]SKYIHPDDEL

ClinVar aggregate classification (germline): Uncertain significance. Review status: criteria provided, multiple submitters, no conflicts (2 of 4 stars). 2 submissions from 2 submitters: Uncertain significance (2). Last evaluated 2025-08-03.

Allele frequency attached by ClinVar (database versions not stated): ExAC 0.00001; TOPMed 0.00002; gnomAD exomes 0.00001.
gnomAD v4.1: 9 of 1,613,670 alleles (0.00056%); highest among the groups gnomAD compares: East Asian, 0.0022%; no homozygotes.

Submissions (2):

Ambry Genetics
Classification: Uncertain significance. Last evaluated: 2025-08-03. Review status: criteria provided, single submitter. Criteria: Ambry Variant Classification Scheme 2023. Collection method: clinical testing. Allele origin: germline.

Labcorp Genetics (formerly Invitae), Labcorp
Classification: Uncertain significance. Last evaluated: 2025-03-04. Review status: criteria provided, single submitter. Criteria: Invitae Variant Classification Sherloc (09022015). Collection method: clinical testing. Allele origin: germline.
Comment: This sequence change replaces arginine, which is basic and polar, with tryptophan, which is neutral and slightly polar, at codon 158 of the POLD2 protein (p.Arg158Trp). This variant is present in population databases (rs778661684, gnomAD 0.006%). This variant has not been reported in the literature in individuals affected with POLD2-related conditions. ClinVar contains an entry for this variant (Variation ID: 2086927). Experimental studies and prediction algorithms are not available or were not evaluated, and the functional significance of this variant is currently unknown. In summary, the available evidence is currently insufficient to determine the role of this variant in disease. Therefore, it has been classified as a Variant of Uncertain Significance.